The following is an entry in ClinVar:

ClinVar aggregate classification (germline): Uncertain significance (1 of 4 stars; one submission).

Submission:

Labcorp Genetics (formerly Invitae), Labcorp
Classification: Uncertain significance. Last evaluated: 2022-07-25. Review status: criteria provided, single submitter. Criteria: Invitae Variant Classification Sherloc (09022015). Collection method: clinical testing. Allele origin: germline.
Comment: In summary, the available evidence is currently insufficient to determine the role of this variant in disease. Therefore, it has been classified as a Variant of Uncertain Significance. Algorithms developed to predict the effect of missense changes on protein structure and function (SIFT, PolyPhen-2, Align-GVGD) all suggest that this variant is likely to be tolerated. ClinVar contains an entry for this variant (Variation ID: 1377227). This variant has not been reported in the literature in individuals affected with LRAT-related conditions. This variant is not present in population databases (gnomAD no frequency). This sequence change replaces valine, which is neutral and non-polar, with alanine, which is neutral and non-polar, at codon 200 of the LRAT protein (p.Val200Ala).

NM_004744.5(LRAT):c.599T>C (p.Val200Ala)

Gene: LRAT (lecithin retinol acyltransferase; plus strand). Cytogenetic location: 4q32.1.
Variant type: single nucleotide variant.
Coding change: c.599T>C on transcript NM_004744.5 (MANE Select); coding-DNA position 599, T replaced by C.
Protein change: p.Val200Ala; replaces valine 200 with alanine.
Molecular consequence: missense variant.
Genome position (GRCh38, 1-based): chr4:154,749,042, T>C. VCF-style: chr4-154749042-T-C. GRCh37 (hg19) VCF-style: chr4-155670194-T-C.
Other names: c.599T>C, p.Val200Ala (NM_001301645.2); short protein forms V200A.
Identifiers: ClinVar variation 1377227 (VCV001377227.6), dbSNP rs2111038237, ClinGen allele CA358631052.